The following is an entry in ClinVar:

NM_000243.3(MEFV):c.52C>A (p.Pro18Thr)

Gene: MEFV (MEFV innate immunity regulator, pyrin; minus strand). Cytogenetic location: 16p13.3.
Variant type: single nucleotide variant.
Coding change: c.52C>A on transcript NM_000243.3 (MANE Select); coding-DNA position 52, C replaced by A.
Protein change: p.Pro18Thr; replaces proline 18 with threonine.
Molecular consequence: missense variant.
Genome position (GRCh38, 1-based): chr16:3,256,536, G>T on the plus strand (C>A on the coding strand, the complement: MEFV is on the minus strand). VCF-style: chr16-3256536-G-T. GRCh37 (hg19) VCF-style: chr16-3306536-G-T.
Other names: c.52C>A, p.Pro18Thr (NM_001198536.2); short protein forms P18T.
Identifiers: ClinVar variation 4280083 (VCV004280083.1).

ClinVar aggregate classification (germline): Uncertain significance (1 of 4 stars; one submission).

Conditions:
Familial Mediterranean fever, autosomal dominant. Also called: Dominant Familial Mediterranean Fever; FMF, AUTOSOMAL DOMINANT. Identifiers: Orphanet 342, MedGen C1851347, MONDO:0007601, OMIM 134610.

gnomAD v4.1: 3 of 1,614,202 alleles (0.00019%); highest among the groups gnomAD compares: African/African-American, 0.004%; no homozygotes.

Submission:

Johns Hopkins Genomics, Johns Hopkins University
Classification: Uncertain significance for Familial Mediterranean fever, autosomal dominant. Last evaluated: 2025-04-29. Review status: criteria provided, single submitter. Criteria: ACMG Guidelines, 2015. Collection method: clinical testing. Allele origin: germline.
Comment: This MEFV missense variant (rs538078075) is rare (<0.1%) in a large population dataset (gnomADv4.1.0: 3/1614202 total alleles; 0.00019%; no homozygotes). It has not been reported in ClinVar nor the literature, to our knowledge. Of three bioinformatics tools queried, two predict that the substitution would be damaging, while one predicts that it would be tolerated; however, these algorithms have low specificity, especially for predicting gain of function variants. The proline residue at this position is evolutionarily conserved across most of the mammalian species assessed. Due to the lack of clinical and functional data supporting that this variant is deleterious, we consider the clinical significance of MEFV c.52C>A to be uncertain at this time.

Literature cited by the submitters: PubMed 32899315.